The following is an entry in ClinVar:

NM_000018.4(ACADVL):c.1806_1807del (p.Leu602_Cys603insTer)

Gene: ACADVL (acyl-CoA dehydrogenase very long chain; plus strand). Cytogenetic location: 17p13.1.
Variant type: Microsatellite.
Coding change: c.1806_1807del on transcript NM_000018.4 (MANE Select); coding-DNA positions 1806 to 1807, 2 bases deleted (CT; older notation c.1806_1807delCT).
Protein change: p.Leu602_Cys603insTer.
Molecular consequence: frameshift variant.
Genome position (GRCh38, 1-based): chr17:7,224,863-7,224,864, CT deleted; deleting any 2 consecutive bases within chr17:7,224,861-7,224,864 gives the same sequence; the c. name uses the placement nearest the transcript's 3' end. VCF-style (leftmost placement, unchanged base first): chr17-7224860-GCT-G. GRCh37 (hg19) VCF-style: chr17-7128179-GCT-G.
Other names: NM_000018.4(ACADVL):c.1804_1805CT[1]; p.Leu602_Cys603insTer; c.1740_1741del, p.Leu580_Cys581insTer (NM_001033859.3); c.1875_1876del, p.Leu625_Cys626insTer (NM_001270447.2); c.1578_1579del, p.Leu526_Cys527insTer (NM_001270448.2).
Identifiers: ClinVar variation 203593 (VCV000203593.23), dbSNP rs796051917, ClinGen allele CA312289.

ClinVar aggregate classification (germline): Likely pathogenic. Review status: reviewed by expert panel (3 of 4 stars). 9 submissions from 9 submitters: Likely pathogenic (1). 8 of the submissions do not count toward it. Last evaluated 2025-03-31.

Conditions:
ACADVL-related disorder. Also called: ACADVL-related condition.
Very long chain acyl-CoA dehydrogenase deficiency (ACADVLD). Also called: Very Long-Chain Acyl-Coenzyme A Dehydrogenase Deficiency; VLCAD Deficiency. Identifiers: Orphanet 26793, MedGen C3887523, MONDO:0008723, OMIM 201475.

Submissions (9):

ClinGen ACADVL Variant Curation Expert Panel, ClinGen
Classification: Likely pathogenic for Very long chain acyl-CoA dehydrogenase deficiency. Last evaluated: 2025-03-31. Review status: reviewed by expert panel. Criteria: clingen acadvl acmg specifications v1. Collection method: curation. Allele origin: germline. Inheritance: Autosomal recessive inheritance.
Comment: The c.1806_1807del (p.Leu602_Cys603insTer) variant in ACADVL is a frameshift variant that may cause loss of function of the protein due to impacting FAD interaction; however it is predicted to escape nonsense mediated decay and remove <10% of the protein (PVS1_moderate). Two siblings with this variant displayed C14:1 levels >0.8 µM, which is highly specific for very long chain acyl-CoA dehydrogenase (VLCAD) deficiency (PP1, PP4_moderate; PMID: 27209629). These same individuals were heterozygous for this variant and the pathogenic frameshift variant c.1173dup which was not confirmed to be in trans (PM3_supporting; PMID: 27209629). This variant is absent from gnomAD v2.1.1 (PM2_supporting). In summary, this variant meets the criteria to be classified as likely pathogenic for autosomal recessive very long chain acyl-CoA dehydrogenase (VLCAD) deficiency based on the ACMG/AMP criteria applied, as specified by the ClinGen ACADVL Variant Curation Expert Panel: PVS1_moderate, PP4_moderate, PM3_supporting, PP1, PM2_supporting (ACADVL VCEP specifications version 1; approved November 9, 2021).

Natera, Inc.
Classification: Likely pathogenic for Very long chain acyl-CoA dehydrogenase deficiency. Last evaluated: 2026-01-12. Review status: criteria provided, single submitter. Criteria: Natera Variant Classification Schema (03/2026). Collection method: clinical testing. Allele origin: germline. Not counted in ClinVar's aggregate classification.
Comment: The c.1806_1807delCT variant in ACADVL is a frameshift variant predicted to shift the reading frame and introduce a stop codon. This variant is expected to result in nonsense mediated decay, truncation, or a dysfunctional protein product. This variant is rare in the general population with a frequency below the threshold expected for the associated phenotype(s). This variant has been observed in one or more individuals affected with the associated recessive disease, as either homozygous or compound heterozygous with a second variant (PMID: 27209629). Additionally, this variant has been observed to segregate in affected family members (PMID: 27209629). Given the available evidence, this variant is classified as Likely Pathogenic.

PreventionGenetics, part of Exact Sciences
Classification: Pathogenic for ACADVL-related condition. Last evaluated: 2024-12-19. Review status: criteria provided, single submitter. Criteria: ACMG Guidelines, 2015. Collection method: clinical testing. Allele origin: germline. Not counted in ClinVar's aggregate classification.
Comment: The ACADVL c.1806_1807delCT variant is predicted to result in premature protein termination (p.Cys603*). This variant was reported in individuals with very long chain acyl-CoA dehydrogenase deficiency (Miller et al. 2015. PubMed ID: 26385305; Pena et al. 2016. PubMed ID: 27209629. This variant has not been reported in a large population database, indicating this variant is rare. Nonsense variants in ACADVL are expected to be pathogenic. This variant is interpreted as pathogenic.

Labcorp Genetics (formerly Invitae), Labcorp
Classification: Pathogenic for Very long chain acyl-CoA dehydrogenase deficiency. Last evaluated: 2024-11-13. Review status: criteria provided, single submitter. Criteria: Invitae Variant Classification Sherloc (09022015). Collection method: clinical testing. Allele origin: germline. Not counted in ClinVar's aggregate classification.
Comment: This sequence change creates a premature translational stop signal (p.Cys603*) in the ACADVL gene. While this is not anticipated to result in nonsense mediated decay, it is expected to disrupt the last 53 amino acid(s) of the ACADVL protein. This variant is not present in population databases (gnomAD no frequency). This premature translational stop signal has been observed in individual(s) with clinical features of very long-chain acyl-CoA dehydrogenase deficiency (PMID: 26385305, 27209629). This variant disrupts a region of the ACADVL protein in which other variant(s) (p.Arg615*) have been determined to be pathogenic (PMID: 10431122). This suggests that this is a clinically significant region of the protein, and that variants that disrupt it are likely to be disease-causing. For these reasons, this variant has been classified as Pathogenic.

Fulgent Genetics
Classification: Pathogenic for Very long chain acyl-CoA dehydrogenase deficiency. Last evaluated: 2024-04-25. Review status: criteria provided, single submitter. Criteria: ACMG Guidelines, 2015. Collection method: clinical testing. Allele origin: germline. Not counted in ClinVar's aggregate classification.

Baylor Genetics
Classification: Pathogenic for Very long chain acyl-CoA dehydrogenase deficiency. Last evaluated: 2024-02-08. Review status: criteria provided, single submitter. Criteria: ACMG Guidelines, 2015. Collection method: clinical testing. Allele origin: unknown. Not counted in ClinVar's aggregate classification.

Wong Mito Lab, Molecular and Human Genetics, Baylor College of Medicine
Classification: Pathogenic for Very long chain acyl-CoA dehydrogenase deficiency. Last evaluated: 2019-11-01. Review status: criteria provided, single submitter. Criteria: ACMG Guidelines, 2015. Collection method: clinical testing. Allele origin: germline. Not counted in ClinVar's aggregate classification.
Comment: The NM_000018.3:c.1806_1807delCT (NP_000009.1:p.Cys603Ter) [GRCH38: NC_000017.11:g.7224863_7224864del] variant in ACADVL gene is interpretated to be Pathogenic based on ACMG guidelines (PMID: 25741868). This variant has been reported. This variant meets the following evidence codes reported in the ACMG guidelines: PVS1, PS3

GeneDx
Classification: Pathogenic. Last evaluated: 2013-07-02. Review status: criteria provided, single submitter. Criteria: GeneDx Variant Classification (06012015). Collection method: clinical testing. Allele origin: germline. Affected: yes. Not counted in ClinVar's aggregate classification.
Comment: The c.1806_1807delCT mutation causes the replacement of a Cysteine codon with a Stop codon at position 603, denoted p.Cys603Ter. This mutation is predicted to cause loss of normal protein function through protein truncation. Although this mutation has not been previously reported to our knowledge, it is predicted to be a pathogenic mutation. The variant is found in ACADVL panel(s).

Counsyl
Classification: Likely pathogenic for Very long chain acyl-CoA dehydrogenase deficiency. Last evaluated: 2017-03-31. Review status: no assertion criteria provided. Collection method: clinical testing. Allele origin: unknown. Not counted in ClinVar's aggregate classification.

Literature cited by the submitters: PubMed 27209629 (cited by 3 submitters); PubMed 26385305 (cited by Labcorp Genetics (formerly Invitae), Labcorp and Counsyl); PubMed 10431122 (cited by Labcorp Genetics (formerly Invitae), Labcorp).